The following is an entry in ClinVar:

ClinVar aggregate classification (germline): Uncertain significance (1 of 4 stars; one submission).

Conditions:
Inborn genetic diseases. Identifiers: MedGen C0950123, MeSH D030342.

Submission:

Ambry Genetics
Classification: Uncertain significance for Inborn genetic diseases. Last evaluated: 2024-02-01. Review status: criteria provided, single submitter. Criteria: Ambry Variant Classification Scheme 2023. Collection method: clinical testing. Allele origin: germline.
Comment: The p.S63C variant (also known as c.188C>G), located in coding exon 2 of the SH2D1A gene, results from a C to G substitution at nucleotide position 188. The serine at codon 63 is replaced by cysteine, an amino acid with dissimilar properties. This amino acid position is conserved. In addition, this alteration is predicted to be deleterious by in silico analysis. Based on the available evidence, the clinical significance of this alteration remains unclear.

NM_002351.5(SH2D1A):c.188C>G (p.Ser63Cys)

Gene: SH2D1A (SH2 domain containing 1A; plus strand). Cytogenetic location: Xq25.
Variant type: single nucleotide variant.
Coding change: c.188C>G on transcript NM_002351.5 (MANE Select); coding-DNA position 188, C replaced by G.
Protein change: p.Ser63Cys; replaces serine 63 with cysteine.
Molecular consequence: missense variant.
Genome position (GRCh38, 1-based): chrX:124,365,811, C>G. VCF-style: chrX-124365811-C-G. GRCh37 (hg19) VCF-style: chrX-123499661-C-G.
Other names: c.188C>G, p.Ser63Cys (NM_001114937.3); short protein forms S63C.
Identifiers: ClinVar variation 3222079 (VCV003222079.1), dbSNP rs1290371898, ClinGen allele CA414123658.